The following is an entry in ClinVar:

ClinVar aggregate classification (germline): Uncertain significance (1 of 4 stars; one submission).

Conditions:
Inborn genetic diseases. Identifiers: MedGen C0950123, MeSH D030342.

Submission:

Ambry Genetics
Classification: Uncertain significance for Inborn genetic diseases. Last evaluated: 2026-05-11. Review status: criteria provided, single submitter. Criteria: Ambry Variant Classification Scheme 2023. Collection method: clinical testing. Allele origin: germline.
Comment: The c.1411delC (p.L471Sfs*20) alteration, located in exon 11 (coding exon 11) of the CDC42BPB gene, consists of a deletion of one nucleotide at position 1411, causing a translational frameshift with a predicted alternate stop codon after 20 amino acids. This alteration is expected to result in loss of function by premature protein truncation or nonsense-mediated mRNA decay; however, loss-of-function of CDC42BPB has not been established as a mechanism of disease. This variant was not reported in population-based cohorts in the Genome Aggregation Database (gnomAD). Based on insufficient or conflicting evidence, the clinical significance of this alteration remains unclear.

NM_006035.4(CDC42BPB):c.1411del (p.Leu471fs)

Gene: CDC42BPB (CDC42 binding protein kinase beta; minus strand). Cytogenetic location: 14q32.32.
Variant type: Deletion.
Coding change: c.1411del on transcript NM_006035.4 (MANE Select); coding-DNA position 1411, one base deleted (C; older notation c.1411delC).
Protein change: p.Leu471fs; shifts the reading frame from leucine 471.
Molecular consequence: frameshift variant.
Genome position (GRCh38, 1-based): chr14:102,975,780, G deleted on the plus strand (C on the coding strand, the reverse complement: CDC42BPB is on the minus strand); the first of 3 consecutive G bases (chr14:102,975,780-102,975,782); deleting any one gives the same sequence. VCF-style (leftmost placement, unchanged base first): chr14-102975779-AG-A. GRCh37 (hg19) VCF-style: chr14-103442116-AG-A.
Other names: c.1409delC, p.Leu471Serfs (NM_001411054.1); short protein forms L471fs.
Identifiers: ClinVar variation 2216856 (VCV002216856.3), dbSNP rs2542890913, ClinGen allele CA2580088432.